The following is an entry in ClinVar:

NM_182641.4(BPTF):c.5749A>G (p.Lys1917Glu)

Gene: BPTF (bromodomain PHD finger transcription factor; plus strand). Cytogenetic location: 17q24.2.
Variant type: single nucleotide variant.
Coding change: c.5749A>G on transcript NM_182641.4 (MANE Select); coding-DNA position 5749, A replaced by G.
Protein change: p.Lys1917Glu; replaces lysine 1917 with glutamic acid.
Molecular consequence: missense variant.
Genome position (GRCh38, 1-based): chr17:67,924,587, A>G. VCF-style: chr17-67924587-A-G. GRCh37 (hg19) VCF-style: chr17-65920703-A-G.
Other names: c.6127A>G, p.Lys2043Glu (NM_004459.7); short protein forms K1917E, K2043E.
Identifiers: ClinVar variation 3252965 (VCV003252965.1), dbSNP rs2511853346.

ClinVar aggregate classification (germline): Uncertain significance (1 of 4 stars; one submission).

Submission:

GeneDx
Classification: Uncertain significance. Last evaluated: 2023-12-10. Review status: criteria provided, single submitter. Criteria: GeneDx Variant Classification Process June 2021. Collection method: clinical testing. Allele origin: germline. Affected: yes.
Comment: Not observed at significant frequency in large population cohorts (gnomAD); In silico analysis supports that this missense variant has a deleterious effect on protein structure/function; Has not been previously published as pathogenic or benign to our knowledge